The following is an entry in ClinVar:

ClinVar aggregate classification (germline): Likely benign (1 of 4 stars; one submission).

Conditions:
Cardiomyopathy (CMYO). Also called: Cardiomyopathies. Identifiers: Orphanet 167848, MedGen C0878544, MONDO:0004994, HP:0001638. Inheritance: Various modes of inheritance.

Submission:

All of Us Research Program, National Institutes of Health
Classification: Likely benign for Cardiomyopathy. Last evaluated: 2023-09-17. Review status: criteria provided, single submitter. Criteria: ACMG Guidelines, 2015. Collection method: clinical testing. Allele origin: germline. Inheritance: Autosomal dominant inheritance. Observed: 1 variant allele, 1 heterozygote.
Comment: This study involves interpretation of variants in research participants for the purpose of population health screening. Participant phenotype was not available at the time of variant classification. Additional details can be found in publication PMID: 35346344, PMCID: PMC8962531

NM_000257.4(MYH7):c.1965G>C (p.Leu655=)

Gene: MYH7 (myosin heavy chain 7; minus strand). Cytogenetic location: 14q11.2.
Variant type: single nucleotide variant.
Coding change: c.1965G>C on transcript NM_000257.4 (MANE Select); coding-DNA position 1965, G replaced by C.
Protein change: p.Leu655=; no amino-acid change (leucine 655 retained).
Molecular consequence: synonymous variant.
Genome position (GRCh38, 1-based): chr14:23,426,856, C>G on the plus strand (G>C on the coding strand, the complement: MYH7 is on the minus strand). VCF-style: chr14-23426856-C-G. GRCh37 (hg19) VCF-style: chr14-23896065-C-G.
Other names: c.1965G>C, p.Leu655= (NM_001407004.1).
Identifiers: ClinVar variation 3073405 (VCV003073405.1), dbSNP rs2502292792, ClinGen allele CA485623750.